The following is an entry in ClinVar:

NM_001378778.1(MPDZ):c.2948T>G (p.Leu983Arg)

Gene: MPDZ (multiple PDZ domain crumbs cell polarity complex component; minus strand). Cytogenetic location: 9p23.
Variant type: single nucleotide variant.
Coding change: c.2948T>G on transcript NM_001378778.1 (MANE Select); coding-DNA position 2948, T replaced by G.
Protein change: p.Leu983Arg; replaces leucine 983 with arginine.
Molecular consequence: missense variant.
Genome position (GRCh38, 1-based): chr9:13,175,859, A>C on the plus strand (T>G on the coding strand, the complement: MPDZ is on the minus strand). VCF-style: chr9-13175859-A-C. GRCh37 (hg19) VCF-style: chr9-13175858-A-C.
Other names: c.2948T>G, p.Leu983Arg (NM_001261406.2, NM_001261407.2, NM_001330637.2 and 14 more transcripts); short protein forms L983R.
Identifiers: ClinVar variation 1722181 (VCV001722181.5), dbSNP rs2493034390, ClinGen allele CA372934882.

ClinVar aggregate classification (germline): Uncertain significance (1 of 4 stars; one submission).

Submission:

Labcorp Genetics (formerly Invitae), Labcorp
Classification: Uncertain significance. Last evaluated: 2024-02-24. Review status: criteria provided, single submitter. Criteria: Invitae Variant Classification Sherloc (09022015). Collection method: clinical testing. Allele origin: germline.
Comment: This sequence change replaces leucine, which is neutral and non-polar, with arginine, which is basic and polar, at codon 983 of the MPDZ protein (p.Leu983Arg). This variant is not present in population databases (gnomAD no frequency). This variant has not been reported in the literature in individuals affected with MPDZ-related conditions. ClinVar contains an entry for this variant (Variation ID: 1722181). An algorithm developed to predict the effect of missense changes on protein structure and function (PolyPhen-2) suggests that this variant is likely to be tolerated. In summary, the available evidence is currently insufficient to determine the role of this variant in disease. Therefore, it has been classified as a Variant of Uncertain Significance.